The following is an entry in ClinVar:

ClinVar aggregate classification (germline): Uncertain significance (1 of 4 stars; one submission).

Conditions:
Danon disease. Also called: PSEUDOGLYCOGENOSIS II; GSD IIb; LYSOSOMAL GLYCOGEN STORAGE DISEASE WITHOUT ACID MALTASE DEFICIENCY; Glycogen Storage Disease Type IIb; ANTOPOL DISEASE. Identifiers: Orphanet 34587, MedGen C0878677, MONDO:0010281, OMIM 300257.

Submission:

Labcorp Genetics (formerly Invitae), Labcorp
Classification: Uncertain significance for Danon disease. Last evaluated: 2025-06-24. Review status: criteria provided, single submitter. Criteria: Invitae Variant Classification Sherloc (09022015). Collection method: clinical testing. Allele origin: germline.
Comment: This sequence change replaces threonine, which is neutral and polar, with isoleucine, which is neutral and non-polar, at codon 51 of the LAMP2 protein (p.Thr51Ile). This variant is not present in population databases (gnomAD no frequency). This variant has not been reported in the literature in individuals affected with LAMP2-related conditions. Invitae Evidence Modeling of protein sequence and biophysical properties (such as structural, functional, and spatial information, amino acid conservation, physicochemical variation, residue mobility, and thermodynamic stability) indicates that this missense variant is expected to disrupt LAMP2 protein function with a positive predictive value of 80%. In summary, the available evidence is currently insufficient to determine the role of this variant in disease. Therefore, it has been classified as a Variant of Uncertain Significance.

NM_002294.3(LAMP2):c.152C>T (p.Thr51Ile)

Gene: LAMP2 (lysosome associated membrane protein 2; minus strand). Cytogenetic location: Xq24.
Variant type: single nucleotide variant.
Coding change: c.152C>T on transcript NM_002294.3 (MANE Select); coding-DNA position 152, C replaced by T.
Protein change: p.Thr51Ile; replaces threonine 51 with isoleucine.
Molecular consequence: missense variant.
Genome position (GRCh38, 1-based): chrX:120,456,682, G>A on the plus strand (C>T on the coding strand, the complement: LAMP2 is on the minus strand). VCF-style: chrX-120456682-G-A. GRCh37 (hg19) VCF-style: chrX-119590537-G-A.
Other names: c.152C>T, p.Thr51Ile (NM_001122606.1, NM_013995.2); short protein forms T51I.
Identifiers: ClinVar variation 4704664 (VCV004704664.1).
Genomic context (GRCh38, chrX:120,456,682, plus strand): 5'-CTCAAAGAAAAATTAAAATATATACTTACATAAGTTTTATTTGTAGTTTCATAGCGTACT[G>A]TGAAATTCATCTGCCATTTTGCATAAAGGCAAGTGGCATTTTCTGAATCTGTCAAATTAA-3'
Protein context (NP_002285.1, residues 41-61): CLYAKWQMNF[Thr51Ile]VRYETTNKTY